The following is an entry in ClinVar:

NM_014290.3(TDRD7):c.2488C>T (p.Arg830Cys)

Gene: TDRD7 (tudor domain containing 7; plus strand). Cytogenetic location: 9q22.33.
Variant type: single nucleotide variant.
Coding change: c.2488C>T on transcript NM_014290.3 (MANE Select); coding-DNA position 2488, C replaced by T.
Protein change: p.Arg830Cys; replaces arginine 830 with cysteine.
Molecular consequence: missense variant.
Genome position (GRCh38, 1-based): chr9:97,482,924, C>T. VCF-style: chr9-97482924-C-T. GRCh37 (hg19) VCF-style: chr9-100245206-C-T.
Other names: c.2266C>T, p.Arg756Cys (NM_001302884.2); short protein forms R830C, R756C.
Identifiers: ClinVar variation 364074 (VCV000364074.14), dbSNP rs140697341, ClinGen allele CA5146953.

ClinVar aggregate classification (germline): Conflicting classifications of pathogenicity. Review status: criteria provided, conflicting classifications (1 of 4 stars). 3 submissions from 3 submitters: Uncertain significance (1); Benign (1). 1 of the submissions does not count toward it. Last evaluated 2026-01-05.

Conditions:
TDRD7-related disorder. Also called: TDRD7-related condition.
Cataract 36. Identifiers: MedGen C3151304, MONDO:0013484, OMIM 613887.

Allele frequency attached by ClinVar (database versions not stated): ESP Exome Variant Server 0.00038; gnomAD exomes 0.00061 and 0.00102; 1000 Genomes Project 30x 0.00062; TOPMed 0.00068; 1000 Genomes Project 0.00080; gnomAD 0.00084 and 0.00086; ExAC 0.00086.
gnomAD v4.1: 1,050 of 1,614,162 alleles (0.065%); highest among the groups gnomAD compares: Middle Eastern, 0.28%; 2 homozygotes.

Submissions (3):

Labcorp Genetics (formerly Invitae), Labcorp
Classification: Benign for Cataract 36. Last evaluated: 2026-01-05. Review status: criteria provided, single submitter. Criteria: Invitae Variant Classification Sherloc (09022015). Collection method: clinical testing. Allele origin: germline.

Illumina Laboratory Services, Illumina
Classification: Uncertain significance for Cataract 36. Last evaluated: 2018-01-12. Review status: criteria provided, single submitter. Criteria: ICSL Variant Classification Criteria 13 December 2019. Collection method: clinical testing. Allele origin: germline.

PreventionGenetics, part of Exact Sciences
Classification: Benign for TDRD7-related condition. Last evaluated: 2019-05-07. Review status: no assertion criteria provided. Collection method: clinical testing. Allele origin: germline. Not counted in ClinVar's aggregate classification.
Comment: This variant is classified as benign based on ACMG/AMP sequence variant interpretation guidelines (Richards et al. 2015 PMID: 25741868, with internal and published modifications).